The following is an entry in ClinVar:

NM_016532.4(INPP5K):c.1101G>A (p.Lys367=)

Gene: INPP5K (inositol polyphosphate-5-phosphatase K; minus strand). Cytogenetic location: 17p13.3.
Variant type: single nucleotide variant.
Coding change: c.1101G>A on transcript NM_016532.4 (MANE Select); coding-DNA position 1101, G replaced by A.
Protein change: p.Lys367=; no amino-acid change (lysine 367 retained).
Molecular consequence: synonymous variant.
Genome position (GRCh38, 1-based): chr17:1,496,666, C>T on the plus strand (G>A on the coding strand, the complement: INPP5K is on the minus strand). VCF-style: chr17-1496666-C-T. GRCh37 (hg19) VCF-style: chr17-1399960-C-T.
Other names: c.873G>A, p.Lys291= (NM_001135642.2, NM_130766.3).
Identifiers: ClinVar variation 4088055 (VCV004088055.1).

ClinVar aggregate classification (germline): Uncertain significance (1 of 4 stars; one submission).

Submission:

GeneDx
Classification: Uncertain significance. Last evaluated: 2025-03-27. Review status: criteria provided, single submitter. Criteria: GeneDx Variant Classification Process June 2021. Collection method: clinical testing. Allele origin: germline. Affected: yes.
Comment: Not observed at significant frequency in large population cohorts (gnomAD); Alters the last nucleotide of the exon and is predicted to damage the splice donor site but the effect on protein function is unclear; Has not been previously published as pathogenic or benign to our knowledge